The following is an entry in ClinVar:

ClinVar aggregate classification (germline): Uncertain significance (1 of 4 stars; one submission).

Submission:

Labcorp Genetics (formerly Invitae), Labcorp
Classification: Uncertain significance. Last evaluated: 2024-01-31. Review status: criteria provided, single submitter. Criteria: Invitae Variant Classification Sherloc (09022015). Collection method: clinical testing. Allele origin: germline.
Comment: This sequence change replaces valine, which is neutral and non-polar, with phenylalanine, which is neutral and non-polar, at codon 765 of the EMC1 protein (p.Val765Phe). This variant is not present in population databases (gnomAD no frequency). This variant has not been reported in the literature in individuals affected with EMC1-related conditions. Advanced modeling of protein sequence and biophysical properties (such as structural, functional, and spatial information, amino acid conservation, physicochemical variation, residue mobility, and thermodynamic stability) performed at Invitae indicates that this missense variant is expected to disrupt EMC1 protein function with a positive predictive value of 80%. In summary, the available evidence is currently insufficient to determine the role of this variant in disease. Therefore, it has been classified as a Variant of Uncertain Significance.

NM_015047.3(EMC1):c.2293G>T (p.Val765Phe)

Genes: EMC1 (ER membrane protein complex subunit 1; minus strand), EMC1-AS1 (EMC1 antisense RNA 1; plus strand). Cytogenetic location: 1p36.13.
Variant type: single nucleotide variant.
Coding change: c.2293G>T on transcript NM_015047.3 (MANE Select); coding-DNA position 2293, G replaced by T.
Protein change: p.Val765Phe; replaces valine 765 with phenylalanine.
Molecular consequence: missense variant.
Genome position (GRCh38, 1-based): chr1:19,223,479, C>A on the plus strand (G>T on the coding strand, the complement: EMC1 is on the minus strand). VCF-style: chr1-19223479-C-A. GRCh37 (hg19) VCF-style: chr1-19549973-C-A.
Other names: c.2290G>T, p.Val764Phe (NM_001271427.2, NM_001271428.2); c.2227G>T, p.Val743Phe (NM_001271429.2); c.2302G>T, p.Val768Phe (NM_001375820.1); c.2299G>T, p.Val767Phe (NM_001375821.1); short protein forms V743F, V767F, V765F, V768F, V764F.
Identifiers: ClinVar variation 3637930 (VCV003637930.2).